The following is an entry in ClinVar:

NM_005546.4(ITK):c.495+22G>A

Gene: ITK (IL2 inducible T cell kinase; plus strand). Cytogenetic location: 5q33.3.
Variant type: single nucleotide variant.
Coding change: c.495+22G>A on transcript NM_005546.4 (MANE Select); 22 bases into the intron after coding-DNA position 495, G replaced by A.
Molecular consequence: intron variant.
Genome position (GRCh38, 1-based): chr5:157,217,929, G>A. VCF-style: chr5-157217929-G-A. GRCh37 (hg19) VCF-style: chr5-156644939-G-A.
Other names: NC_000005.9:g.156644939G>A.
Identifiers: ClinVar variation 1265355 (VCV001265355.5), dbSNP rs246747, ClinGen allele CA3532777.
Genomic context (GRCh38, chr5:157,217,929, plus strand): 5'-TCAAAGAAGCCTCTTCCTCCTACTCCTGAAGACAACAGGGTGAGTGAGAGCGCTAGCTCC[G>A]GGTGCAGGTGGGCCCACAGGCTACCTGATTGGCATGTTCCTATTTGCATGTCCCCCTCTC-3'

ClinVar aggregate classification (germline): Benign. Review status: criteria provided, multiple submitters, no conflicts (2 of 4 stars). 2 submissions from 2 submitters: Benign (2). Last evaluated 2023-11-12.

Allele frequency attached by ClinVar (database versions not stated): 1000 Genomes Project 30x 0.19706; 1000 Genomes Project 0.20088; TOPMed 0.24139; ESP Exome Variant Server 0.24412.
gnomAD v4.1: 465,684 of 1,606,566 alleles (29%); highest among the groups gnomAD compares: Non-Finnish European, 31%; 70,497 homozygotes.

Submissions (5):

Unidad de Genómica Garrahan, Hospital de Pediatría Garrahan
Classification: Benign. Last evaluated: 2023-11-12. Review status: criteria provided, single submitter. Criteria: ACMG Guidelines, 2015. Collection method: clinical testing. Allele origin: germline. Affected: no. Observed: 50 variant alleles.
Comment: This variant is classified as Benign based on local population frequency. This variant was detected in 52% of patients studied by a panel of primary immunodeficiencies. Number of patients: 50. Only high quality variants are reported.

GeneDx
Classification: Benign. Last evaluated: 2018-11-12. Review status: criteria provided, single submitter. Criteria: GeneDx Variant Classification Process June 2021. Collection method: clinical testing. Allele origin: germline. Affected: yes.

Dr. Peter K. Rogan Lab, Western University
No classification provided (evidence only). Condition: Malignant lymphoma, large B-cell, diffuse. Review status: no classification provided. Collection method: in vitro. Allele origin: not applicable. Functional consequence: retained intron. Not counted in ClinVar's aggregate classification.

Dr. Peter K. Rogan Lab, Western University
No classification provided (evidence only). Condition: Malignant lymphoma, large B-cell, diffuse. Review status: no classification provided. Collection method: in vitro. Allele origin: not applicable. Functional consequence: retained intron. Not counted in ClinVar's aggregate classification.

Dr. Peter K. Rogan Lab, Western University
No classification provided (evidence only). Condition: Malignant lymphoma, large B-cell, diffuse. Review status: no classification provided. Collection method: in vitro. Allele origin: not applicable. Functional consequence: skipped exon, retained intron. Not counted in ClinVar's aggregate classification.